The following is an entry in ClinVar:

ClinVar aggregate classification (germline): Benign (1 of 4 stars; one submission).

Allele frequency attached by ClinVar (database versions not stated): 1000 Genomes Project 30x 0.91521; TOPMed 0.92105; 1000 Genomes Project 0.92153; gnomAD 0.92587 and 0.93003.
gnomAD v4.1: 141,717 of 152,276 alleles (93%); highest among the groups gnomAD compares: Non-Finnish European, 100%; 66,702 homozygotes.

Submission:

GeneDx
Classification: Benign. Last evaluated: 2018-06-14. Review status: criteria provided, single submitter. Criteria: GeneDx Variant Classification (06012015). Collection method: clinical testing. Allele origin: germline. Affected: yes.
Comment: This variant is considered likely benign or benign based on one or more of the following criteria: it is a conservative change, it occurs at a poorly conserved position in the protein, it is predicted to be benign by multiple in silico algorithms, and/or has population frequency not consistent with disease.

NM_004092.4(ECHS1):c.620-178G>A

Gene: ECHS1 (enoyl-CoA hydratase, short chain 1; minus strand). Cytogenetic location: 10q26.3.
Variant type: single nucleotide variant.
Coding change: c.620-178G>A on transcript NM_004092.4 (MANE Select); 178 bases into the intron before coding-DNA position 620, G replaced by A.
Molecular consequence: intron variant.
Genome position (GRCh38, 1-based): chr10:133,366,273, C>T on the plus strand (G>A on the coding strand, the complement: ECHS1 is on the minus strand). VCF-style: chr10-133366273-C-T. GRCh37 (hg19) VCF-style: chr10-135179777-C-T.
Identifiers: ClinVar variation 683765 (VCV000683765.1), dbSNP rs6537599, ClinGen allele CA13300577.
Genomic context (GRCh38, chr10:133,366,273, plus strand): 5'-CAAGGGCGGCTTCCACACGGGAAGTGCCGCACGTGCCCCTTCCTGAGTGCTGAGTGATCT[C>T]GGCACTGCGGTCACTGTGCTCTCAGACATGTGGGCCAGGCTGGCCACAGCTCCGACGGCA-3'